The following is an entry in ClinVar:

ClinVar aggregate classification (germline): Conflicting classifications of pathogenicity. Review status: criteria provided, conflicting classifications (1 of 4 stars). 3 submissions from 3 submitters: Uncertain significance (2); Likely benign (1). Last evaluated 2025-07-22.

Conditions:
Inborn genetic diseases. Identifiers: MedGen C0950123, MeSH D030342.
Progressive sclerosing poliodystrophy (MTDPS4A). Also called: Alpers-Huttenlocher Syndrome; Mitochondrial DNA Depletion Syndrome 4A; ALPERS PROGRESSIVE INFANTILE POLIODYSTROPHY; NEURONAL DEGENERATION OF CHILDHOOD WITH LIVER DISEASE, PROGRESSIVE; Alpers-Huttenlocher Syndrome (AHS); Alpers Syndrome. Identifiers: Orphanet 726, MedGen C0205710, MONDO:0008758, OMIM 203700.

gnomAD v4.1: 14 of 1,613,632 alleles (0.00087%); highest among the groups gnomAD compares: African/African-American, 0.012%; no homozygotes.

Submissions (3):

Labcorp Genetics (formerly Invitae), Labcorp
Classification: Uncertain significance for Progressive sclerosing poliodystrophy. Last evaluated: 2025-07-22. Review status: criteria provided, single submitter. Criteria: Invitae Variant Classification Sherloc (09022015). Collection method: clinical testing. Allele origin: germline.
Comment: This sequence change replaces aspartic acid, which is acidic and polar, with asparagine, which is neutral and polar, at codon 830 of the POLG protein (p.Asp830Asn). This variant is present in population databases (rs760641207, gnomAD 0.007%). This variant has not been reported in the literature in individuals affected with POLG-related conditions. ClinVar contains an entry for this variant (Variation ID: 1792017). Invitae Evidence Modeling of protein sequence and biophysical properties (such as structural, functional, and spatial information, amino acid conservation, physicochemical variation, residue mobility, and thermodynamic stability) indicates that this missense variant is not expected to disrupt POLG protein function with a negative predictive value of 95%. In summary, the available evidence is currently insufficient to determine the role of this variant in disease. Therefore, it has been classified as a Variant of Uncertain Significance.

Athena Diagnostics
Classification: Uncertain significance. Last evaluated: 2021-10-22. Review status: criteria provided, single submitter. Criteria: Athena Diagnostics Criteria. Collection method: clinical testing. Allele origin: unknown.

Ambry Genetics
Classification: Likely benign for Inborn genetic diseases. Last evaluated: 2018-06-11. Review status: criteria provided, single submitter. Criteria: Ambry Variant Classification Scheme 2023. Collection method: clinical testing. Allele origin: germline.

NM_002693.3(POLG):c.2488G>A (p.Asp830Asn)

Gene: POLG (DNA polymerase gamma, catalytic subunit; minus strand). Cytogenetic location: 15q26.1.
Variant type: single nucleotide variant.
Coding change: c.2488G>A on transcript NM_002693.3 (MANE Select); coding-DNA position 2488, G replaced by A.
Protein change: p.Asp830Asn; replaces aspartic acid 830 with asparagine.
Molecular consequence: missense variant.
Genome position (GRCh38, 1-based): chr15:89,321,846, C>T on the plus strand (G>A on the coding strand, the complement: POLG is on the minus strand). VCF-style: chr15-89321846-C-T. GRCh37 (hg19) VCF-style: chr15-89865077-C-T.
Other names: c.2488G>A, p.Asp830Asn (NM_001126131.2); short protein forms D830N.
Identifiers: ClinVar variation 1792017 (VCV001792017.7), dbSNP rs760641207, ClinGen allele CA7724443.